The following is an entry in ClinVar:

NM_001267550.2(TTN):c.95541T>G (p.Arg31847=)

Genes: TTN-AS1 (TTN antisense RNA 1; plus strand), TTN (titin; minus strand). Cytogenetic location: 2q31.2.
Variant type: single nucleotide variant.
Coding change: c.95541T>G on transcript NM_001267550.2 (MANE Select); coding-DNA position 95541, T replaced by G.
Protein change: p.Arg31847=; no amino-acid change (arginine 31847 retained).
Molecular consequence: synonymous variant.
Genome position (GRCh38, 1-based): chr2:178,545,569, A>C on the plus strand (T>G on the coding strand, the complement: TTN is on the minus strand). VCF-style: chr2-178545569-A-C. GRCh37 (hg19) VCF-style: chr2-179410296-A-C.
Other names: p.Arg30206=; c.90618T>G, p.Arg30206= (NM_001256850.1); c.68346T>G, p.Arg22782= (NM_003319.4); c.87837T>G, p.Arg29279= (NM_133378.4); c.68721T>G, p.Arg22907= (NM_133432.3); c.68922T>G, p.Arg22974= (NM_133437.4).
Identifiers: ClinVar variation 592723 (VCV000592723.19), dbSNP rs749477738, ClinGen allele CA1986936.

ClinVar aggregate classification (germline): Conflicting classifications of pathogenicity. Review status: criteria provided, conflicting classifications (1 of 4 stars). 5 submissions from 5 submitters: Uncertain significance (1); Likely benign (4). Last evaluated 2026-01-04.

Conditions:
Cardiovascular phenotype. Identifiers: MedGen CN230736.
Dilated cardiomyopathy 1G (CMD1G). Identifiers: Orphanet 154, MedGen C1858763, MONDO:0011400, OMIM 604145.
Autosomal recessive limb-girdle muscular dystrophy type 2J (LGMDR10). Also called: MUSCULAR DYSTROPHY, LIMB-GIRDLE, AUTOSOMAL RECESSIVE 10; Limb-girdle muscular dystrophy, type 2J. Identifiers: Orphanet 140922, MedGen C1837342, MONDO:0012127, OMIM 608807.

Allele frequency attached by ClinVar (database versions not stated): gnomAD exomes below 0.00001 and 0.00004; ExAC 0.00001; TOPMed 0.00002; gnomAD 0.00005.
gnomAD v4.1: 67 of 1,613,570 alleles (0.0042%); highest among the groups gnomAD compares: Non-Finnish European, 0.0053%; no homozygotes.

Submissions (5):

Labcorp Genetics (formerly Invitae), Labcorp
Classification: Likely benign for Dilated cardiomyopathy 1G; Autosomal recessive limb-girdle muscular dystrophy type 2J. Last evaluated: 2026-01-04. Review status: criteria provided, single submitter. Criteria: Invitae Variant Classification Sherloc (09022015). Collection method: clinical testing. Allele origin: germline.

Mayo Clinic Laboratories, Mayo Clinic
Classification: Likely benign. Last evaluated: 2025-12-10. Review status: criteria provided, single submitter. Criteria: ACMG Guidelines, 2015. Collection method: clinical testing. Allele origin: germline. Observed: 1 variant allele.
Comment: BP4, BP7

Molecular Diagnostic Laboratory for Inherited Cardiovascular Disease, Montreal Heart Institute
Classification: Likely benign. Last evaluated: 2025-04-09. Review status: criteria provided, single submitter. Criteria: ACMG Guidelines, 2015. Collection method: clinical testing. Allele origin: germline. Affected: no.

Ambry Genetics
Classification: Likely benign for Cardiovascular phenotype. Last evaluated: 2019-03-28. Review status: criteria provided, single submitter. Criteria: Ambry Variant Classification Scheme 2023. Collection method: clinical testing. Allele origin: germline.

Eurofins Ntd Llc (ga)
Classification: Uncertain significance. Last evaluated: 2017-10-17. Review status: criteria provided, single submitter. Criteria: EGL Classification Definitions 2015. Collection method: clinical testing. Allele origin: germline. Observed: 2 variant alleles, 2 heterozygotes.